The following is an entry in ClinVar:

ClinVar aggregate classification (germline): Pathogenic/Likely pathogenic. Review status: criteria provided, multiple submitters, no conflicts (2 of 4 stars). 2 submissions from 2 submitters: Pathogenic (1); Likely pathogenic (1). Last evaluated 2024-06-12.

Conditions:
Glycine encephalopathy. Also called: Non-ketotic hyperglycinemia; Nonketotic hyperglycinemia. Identifiers: Orphanet 407, MedGen C0751748, MONDO:0011612, HP:0008288.

Submissions (2):

Labcorp Genetics (formerly Invitae), Labcorp
Classification: Pathogenic for Glycine encephalopathy. Last evaluated: 2024-06-12. Review status: criteria provided, single submitter. Criteria: Invitae Variant Classification Sherloc (09022015). Collection method: clinical testing. Allele origin: germline.
Comment: This sequence change replaces cysteine, which is neutral and slightly polar, with tyrosine, which is neutral and polar, at codon 644 of the GLDC protein (p.Cys644Tyr). This variant is not present in population databases (gnomAD no frequency). This missense change has been observed in individual(s) with glycine encephalopathy (Invitae). In at least one individual the data is consistent with being in trans (on the opposite chromosome) from a pathogenic variant. ClinVar contains an entry for this variant (Variation ID: 658896). Advanced modeling of protein sequence and biophysical properties (such as structural, functional, and spatial information, amino acid conservation, physicochemical variation, residue mobility, and thermodynamic stability) performed at Invitae indicates that this missense variant is expected to disrupt GLDC protein function with a positive predictive value of 80%. This variant disrupts the p.Cys644 amino acid residue in GLDC. Other variant(s) that disrupt this residue have been determined to be pathogenic (PMID: 27362913). This suggests that this residue is clinically significant, and that variants that disrupt this residue are likely to be disease-causing. For these reasons, this variant has been classified as Pathogenic.

CeGaT Center for Human Genetics Tuebingen
Classification: Likely pathogenic. Last evaluated: 2017-02-01. Review status: criteria provided, single submitter. Criteria: CeGaT Center For Human Genetics Tuebingen Variant Classification Criteria Version 2. Collection method: clinical testing. Allele origin: germline. Affected: yes. Observed: 1 variant allele.

Literature cited by the submitters: PubMed 27362913 (cited by Labcorp Genetics (formerly Invitae), Labcorp).

NM_000170.3(GLDC):c.1931G>A (p.Cys644Tyr)

Gene: GLDC (glycine decarboxylase; minus strand). Cytogenetic location: 9p24.1.
Variant type: single nucleotide variant.
Coding change: c.1931G>A on transcript NM_000170.3 (MANE Select); coding-DNA position 1931, G replaced by A.
Protein change: p.Cys644Tyr; replaces cysteine 644 with tyrosine.
Molecular consequence: missense variant.
Genome position (GRCh38, 1-based): chr9:6,558,680, C>T on the plus strand (G>A on the coding strand, the complement: GLDC is on the minus strand). VCF-style: chr9-6558680-C-T. GRCh37 (hg19) VCF-style: chr9-6558680-C-T.
Other names: short protein forms C644Y.
Identifiers: ClinVar variation 658896 (VCV000658896.47), dbSNP rs386833535, ClinGen allele CA372882237.
Genomic context (GRCh38, chr9:6,558,680, plus strand): 5'-TTCATGCCTGCCATGTGGGCACTTGCTGGGTTGGTCCCATGTGCTGATTTCGGAATGAGG[C>T]AAACCTACAGAATAGAAAGGAAGCAAAGAAAGAGCAAAATCATCATCAGACTATGAATAA-3'
Protein context (NP_000161.2, residues 634-654): NQKGEGHRTV[Cys644Tyr]LIPKSAHGTN